The following is an entry in ClinVar:

ClinVar aggregate classification (germline): Uncertain significance (1 of 4 stars; one submission).

gnomAD v4.1: 7 of 1,195,776 alleles (0.00059%); highest among the groups gnomAD compares: South Asian, 0.0018%; no homozygotes.

Submission:

GeneDx
Classification: Uncertain significance. Last evaluated: 2024-01-12. Review status: criteria provided, single submitter. Criteria: GeneDx Variant Classification Process June 2021. Collection method: clinical testing. Allele origin: germline. Affected: yes.
Comment: Not observed at significant frequency in large population cohorts (gnomAD); In silico analysis supports that this missense variant does not alter protein structure/function; Has not been previously published as pathogenic or benign to our knowledge

NM_001379451.1(BCORL1):c.3995G>A (p.Arg1332Gln)

Gene: BCORL1 (BCL6 corepressor like 1; plus strand). Cytogenetic location: Xq26.1.
Variant type: single nucleotide variant.
Coding change: c.3995G>A on transcript NM_001379451.1 (MANE Select); coding-DNA position 3995, G replaced by A.
Protein change: p.Arg1332Gln; replaces arginine 1332 with glutamine.
Molecular consequence: missense variant.
Genome position (GRCh38, 1-based): chrX:130,025,296, G>A. VCF-style: chrX-130025296-G-A. GRCh37 (hg19) VCF-style: chrX-129159271-G-A.
Other names: c.3995G>A, p.Arg1332Gln (NM_001184772.3, NM_001379450.1, NM_021946.5); short protein forms R1332Q.
Identifiers: ClinVar variation 3367913 (VCV003367913.1).